The following is an entry in ClinVar:

ClinVar aggregate classification (germline): Likely benign (1 of 4 stars; one submission).

Submission:

CeGaT Center for Human Genetics Tuebingen
Classification: Likely benign. Last evaluated: 2023-01-01. Review status: criteria provided, single submitter. Criteria: CeGaT Center For Human Genetics Tuebingen Variant Classification Criteria Version 2. Collection method: clinical testing. Allele origin: germline. Affected: yes. Observed: 1 variant allele.
Comment: ZNF816: BP4, BP7

NM_001202457.3(ZNF816):c.1383T>C (p.Ser461=)

Genes: ZNF816 (zinc finger protein 816; minus strand), ZNF816-ZNF321P (ZNF816-ZNF321P readthrough; minus strand). Cytogenetic location: 19q13.41.
Variant type: single nucleotide variant.
Coding change: c.1383T>C on transcript NM_001202457.3 (MANE Select); coding-DNA position 1383, T replaced by C.
Protein change: p.Ser461=; no amino-acid change (serine 461 retained).
Molecular consequence: synonymous variant. On other transcripts: intron variant (1).
Genome position (GRCh38, 1-based): chr19:52,950,392, A>G on the plus strand (T>C on the coding strand, the complement: ZNF816 is on the minus strand). VCF-style: chr19-52950392-A-G. GRCh37 (hg19) VCF-style: chr19-53453645-A-G.
Other names: c.1383T>C, p.Ser461= (NM_001031665.4, NM_001202456.3); c.190+2359T>C (NM_001202473.2).
Identifiers: ClinVar variation 2650400 (VCV002650400.24), dbSNP rs754539849, ClinGen allele CA9629601.